The following is an entry in ClinVar:

ClinVar aggregate classification (germline): Pathogenic. Review status: criteria provided, multiple submitters, no conflicts (2 of 4 stars). 2 submissions from 2 submitters: Pathogenic (2). Last evaluated 2025-03-04.

Conditions:
Bernard-Soulier syndrome, type A2, autosomal dominant (BSSA2). Also called: Bernard-Soulier syndrome, type A2 (dominant). Identifiers: Orphanet 274, MedGen C3277076, MONDO:0007930, OMIM 153670.

Submissions (2):

Center for Genomic Medicine, Rigshospitalet, Copenhagen University Hospital
Classification: Pathogenic. Last evaluated: 2025-03-04. Review status: criteria provided, single submitter. Criteria: ACMG Guidelines, 2015. Collection method: clinical testing. Allele origin: germline.

ISTH-SSC Genomics in Thrombosis and Hemostasis, KU Leuven, Center for Molecular and Vascular Biology
Classification: Pathogenic for Bernard-Soulier syndrome, type A2, autosomal dominant. Review status: criteria provided, single submitter. Criteria: ACMG Guidelines, 2015. Collection method: clinical testing. Allele origin: germline. Affected: yes. Observed: 5 heterozygotes.
Comment: GoldVariant submitter: Eva Leinoe Genomic medicine, Rigshospitalet, Copenhagen, Denmark

Literature cited by the submitters: PubMed 34333846 (cited by Center for Genomic Medicine, Rigshospitalet, Copenhagen University Hospital); PubMed 34355501 (cited by ISTH-SSC Genomics in Thrombosis and Hemostasis, KU Leuven, Center for Molecular and Vascular Biology); PubMed 30908598 (cited by ISTH-SSC Genomics in Thrombosis and Hemostasis, KU Leuven, Center for Molecular and Vascular Biology).

NM_000173.7(GP1BA):c.58T>G (p.Cys20Gly)

Gene: GP1BA (glycoprotein Ib platelet subunit alpha; plus strand). Cytogenetic location: 17p13.2.
Variant type: single nucleotide variant.
Coding change: c.58T>G on transcript NM_000173.7 (MANE Select); coding-DNA position 58, T replaced by G.
Protein change: p.Cys20Gly; replaces cysteine 20 with glycine.
Molecular consequence: missense variant.
Genome position (GRCh38, 1-based): chr17:4,932,662, T>G. VCF-style: chr17-4932662-T-G. GRCh37 (hg19) VCF-style: chr17-4835957-T-G.
Other names: short protein forms C20G.
Identifiers: ClinVar variation 1677261 (VCV001677261.3), dbSNP rs2151107661, ClinGen allele CA397314055.